The following is an entry in ClinVar:

ClinVar aggregate classification (germline): Uncertain significance (1 of 4 stars; one submission).

Conditions:
Hereditary cancer-predisposing syndrome. Also called: Neoplastic Syndromes, Hereditary; Hereditary Cancer Syndrome; Tumor predisposition; Hereditary neoplastic syndrome. Identifiers: Orphanet 140162, MedGen C0027672, MeSH D009386, MONDO:0015356.

Submission:

Ambry Genetics
Classification: Uncertain significance for Hereditary cancer-predisposing syndrome. Last evaluated: 2025-01-10. Review status: criteria provided, single submitter. Criteria: Ambry Variant Classification Scheme 2023. Collection method: clinical testing. Allele origin: germline.
Comment: The p.E139V variant (also known as c.416A>T), located in coding exon 3 of the PTCH1 gene, results from an A to T substitution at nucleotide position 416. The glutamic acid at codon 139 is replaced by valine, an amino acid with dissimilar properties. This amino acid position is conserved. In addition, this alteration is predicted to be deleterious by in silico analysis. Based on the available evidence, the clinical significance of this variant remains unclear.

NM_000264.5(PTCH1):c.416A>T (p.Glu139Val)

Gene: PTCH1 (patched 1; minus strand). Cytogenetic location: 9q22.32.
Variant type: single nucleotide variant.
Coding change: c.416A>T on transcript NM_000264.5 (MANE Select); coding-DNA position 416, A replaced by T.
Protein change: p.Glu139Val; replaces glutamic acid 139 with valine.
Molecular consequence: missense variant. On other transcripts: 5 prime UTR variant (4), non-coding transcript variant (1).
Genome position (GRCh38, 1-based): chr9:95,485,853, T>A on the plus strand (A>T on the coding strand, the complement: PTCH1 is on the minus strand). VCF-style: chr9-95485853-T-A. GRCh37 (hg19) VCF-style: chr9-98248135-T-A.
Other names: c.218A>T, p.Glu73Val (NM_001083602.3, NM_001354919.2); c.413A>T, p.Glu138Val (NM_001083603.3); c.-38A>T (NM_001083604.3, NM_001083605.3, NM_001083606.3 and 1 more transcripts); c.416A>T, p.Glu139Val (NM_001354918.2); short protein forms E138V, E139V, E73V.
Identifiers: ClinVar variation 3784634 (VCV003784634.1).
Genomic context (GRCh38, chr9:95,485,853, plus strand): 5'-ATCATGAGTTGAGGATTAAACATAGCCTCTTCTCCAATCTTCTGGCGAGTATAATTTAAT[T>A]CACGACTTACTCGTCCTCCAACTGACAAATATGTACAGGTTTAATTAGAATAGCAAAATC-3'
Protein context (NP_000255.2, residues 129-149): WVEVGGRVSR[Glu139Val]LNYTRQKIGE